The following is an entry in ClinVar:

NM_001164508.2(NEB):c.21194C>T (p.Thr7065Ile)

Gene: NEB (nebulin; minus strand). Cytogenetic location: 2q23.3.
Variant type: single nucleotide variant.
Coding change: c.21194C>T on transcript NM_001164508.2 (MANE Select); coding-DNA position 21194, C replaced by T.
Protein change: p.Thr7065Ile; replaces threonine 7065 with isoleucine.
Molecular consequence: missense variant.
Genome position (GRCh38, 1-based): chr2:151,537,145, G>A on the plus strand (C>T on the coding strand, the complement: NEB is on the minus strand). VCF-style: chr2-151537145-G-A. GRCh37 (hg19) VCF-style: chr2-152393659-G-A.
Other names: c.21194C>T, p.Thr7065Ile (NM_001164507.2, NM_001271208.2); c.16091C>T, p.Thr5364Ile (NM_004543.5); short protein forms T5364I, T7065I.
Identifiers: ClinVar variation 2003306 (VCV002003306.4), dbSNP rs1304320174, ClinGen allele CA348774912.

ClinVar aggregate classification (germline): Uncertain significance (1 of 4 stars; one submission).

Conditions:
Nemaline myopathy 2 (NEM2). Also called: Nemaline myopathy 2, autosomal recessive. Identifiers: MedGen C1850569, MONDO:0009725, OMIM 256030.

Submission:

Labcorp Genetics (formerly Invitae), Labcorp
Classification: Uncertain significance for Nemaline myopathy 2. Last evaluated: 2022-11-29. Review status: criteria provided, single submitter. Criteria: Invitae Variant Classification Sherloc (09022015). Collection method: clinical testing. Allele origin: germline.
Comment: This sequence change replaces threonine, which is neutral and polar, with isoleucine, which is neutral and non-polar, at codon 7065 of the NEB protein (p.Thr7065Ile). This variant is not present in population databases (gnomAD no frequency). This variant has not been reported in the literature in individuals affected with NEB-related conditions. Algorithms developed to predict the effect of missense changes on protein structure and function are either unavailable or do not agree on the potential impact of this missense change (SIFT: "Deleterious"; PolyPhen-2: "Not Available"; Align-GVGD: "Class C0"). In summary, the available evidence is currently insufficient to determine the role of this variant in disease. Therefore, it has been classified as a Variant of Uncertain Significance.